The following is an entry in ClinVar:

ClinVar aggregate classification (germline): Pathogenic (1 of 4 stars; one submission).

Conditions:
Dilated cardiomyopathy 1HH (CMD1HH). Identifiers: Orphanet 154, MedGen C3151293, MONDO:0013479, OMIM 613881.
Myofibrillar myopathy 6. Identifiers: Orphanet 199340, MedGen C2751831, MONDO:0013061, OMIM 612954.

Submission:

Labcorp Genetics (formerly Invitae), Labcorp
Classification: Pathogenic for Dilated cardiomyopathy 1HH; Myofibrillar myopathy 6. Last evaluated: 2022-05-22. Review status: criteria provided, single submitter. Criteria: Invitae Variant Classification Sherloc (09022015). Collection method: clinical testing. Allele origin: germline.
Comment: For these reasons, this variant has been classified as Pathogenic. This variant has not been reported in the literature in individuals affected with BAG3-related conditions. This variant is not present in population databases (gnomAD no frequency). This sequence change creates a premature translational stop signal (p.Gln120*) in the BAG3 gene. It is expected to result in an absent or disrupted protein product. Loss-of-function variants in BAG3 are known to be pathogenic (PMID: 21353195, 25008357).

Literature cited by the submitters: PubMed 21353195; PubMed 25008357.

NM_004281.4(BAG3):c.358C>T (p.Gln120Ter)

Gene: BAG3 (BAG cochaperone 3; plus strand). Cytogenetic location: 10q26.11.
Variant type: single nucleotide variant.
Coding change: c.358C>T on transcript NM_004281.4 (MANE Select); coding-DNA position 358, C replaced by T.
Protein change: p.Gln120Ter; replaces glutamine 120 with a stop codon.
Molecular consequence: nonsense.
Genome position (GRCh38, 1-based): chr10:119,670,028, C>T. VCF-style: chr10-119670028-C-T. GRCh37 (hg19) VCF-style: chr10-121429540-C-T.
Other names: short protein forms Q120*.
Identifiers: ClinVar variation 1997860 (VCV001997860.4), dbSNP rs2494009499, ClinGen allele CA378294932.